The following is an entry in ClinVar:

ClinVar aggregate classification (germline): Uncertain significance (1 of 4 stars; one submission).

Conditions:
Aortic aneurysm, familial thoracic 4 (AAT4). Also called: AORTIC ANEURYSM/AORTIC DISSECTION AND PATENT DUCTUS ARTERIOSUS. Identifiers: MedGen C1851504, MONDO:0007568, OMIM 132900.

Submission:

Labcorp Genetics (formerly Invitae), Labcorp
Classification: Uncertain significance for Aortic aneurysm, familial thoracic 4. Last evaluated: 2022-09-16. Review status: criteria provided, single submitter. Criteria: Invitae Variant Classification Sherloc (09022015). Collection method: clinical testing. Allele origin: germline.
Comment: This sequence change replaces valine, which is neutral and non-polar, with glycine, which is neutral and non-polar, at codon 25 of the MYH11 protein (p.Val25Gly). This variant is not present in population databases (gnomAD no frequency). This variant has not been reported in the literature in individuals affected with MYH11-related conditions. Advanced modeling of protein sequence and biophysical properties (such as structural, functional, and spatial information, amino acid conservation, physicochemical variation, residue mobility, and thermodynamic stability) performed at Invitae indicates that this missense variant is not expected to disrupt MYH11 protein function. In summary, the available evidence is currently insufficient to determine the role of this variant in disease. Therefore, it has been classified as a Variant of Uncertain Significance.

NM_002474.3(MYH11):c.74T>G (p.Val25Gly)

Gene: MYH11 (myosin heavy chain 11; minus strand). Cytogenetic location: 16p13.11.
Variant type: single nucleotide variant.
Coding change: c.74T>G on transcript NM_002474.3 (MANE Select); coding-DNA position 74, T replaced by G.
Protein change: p.Val25Gly; replaces valine 25 with glycine.
Molecular consequence: missense variant.
Genome position (GRCh38, 1-based): chr16:15,838,179, A>C on the plus strand (T>G on the coding strand, the complement: MYH11 is on the minus strand). VCF-style: chr16-15838179-A-C. GRCh37 (hg19) VCF-style: chr16-15932036-A-C.
Other names: c.74T>G, p.Val25Gly (NM_001040113.2, NM_001040114.2, NM_022844.3); short protein forms V25G.
Identifiers: ClinVar variation 2163925 (VCV002163925.4), dbSNP rs1203094266, ClinGen allele CA395198796.